The following is an entry in ClinVar:

NM_001372044.2(SHANK3):c.1470C>T (p.Ala490=)

Gene: SHANK3 (SH3 and multiple ankyrin repeat domains 3; plus strand). Cytogenetic location: 22q13.33.
Variant type: single nucleotide variant.
Coding change: c.1470C>T on transcript NM_001372044.2 (MANE Select); coding-DNA position 1470, C replaced by T.
Protein change: p.Ala490=; no amino-acid change (alanine 490 retained).
Molecular consequence: synonymous variant.
Genome position (GRCh38, 1-based): chr22:50,694,989, C>T. VCF-style: chr22-50694989-C-T. GRCh37 (hg19) VCF-style: chr22-51133417-C-T.
Other names: c.1245C>T, p.Ala415= (NM_033517.1).
Identifiers: ClinVar variation 588015 (VCV000588015.32), dbSNP rs116756129, ClinGen allele CA10325490.

ClinVar aggregate classification (germline): Benign/Likely benign. Review status: criteria provided, multiple submitters, no conflicts (2 of 4 stars). 5 submissions from 5 submitters: Benign (4); Likely benign (1). Last evaluated 2026-07-01.

Conditions:
Inborn genetic diseases. Identifiers: MedGen C0950123, MeSH D030342.

Allele frequency attached by ClinVar (database versions not stated): gnomAD exomes 0.00062 and 0.00139; ExAC 0.00280; ESP Exome Variant Server 0.00376; gnomAD 0.00421 and 0.00455; TOPMed 0.00440; 1000 Genomes Project 0.00479; 1000 Genomes Project 30x 0.00500.

Submissions (5):

CeGaT Center for Human Genetics Tuebingen
Classification: Benign. Last evaluated: 2026-07-01. Review status: criteria provided, single submitter. Criteria: CeGaT Center For Human Genetics Tuebingen Variant Classification Criteria Version 2. Collection method: clinical testing. Allele origin: germline. Affected: yes. Observed: 4 variant alleles.
Comment: SHANK3: BP4, BP7, BS1, BS2

Blueprint Genetics
Classification: Likely benign. Last evaluated: 2024-11-27. Review status: criteria provided, single submitter. Criteria: ACMG Guidelines, 2015. Collection method: clinical testing. Allele origin: germline.

GeneDx
Classification: Benign. Last evaluated: 2020-10-02. Review status: criteria provided, single submitter. Criteria: GeneDx Variant Classification Process June 2021. Collection method: clinical testing. Allele origin: germline. Affected: yes.

Ambry Genetics
Classification: Benign for Inborn genetic diseases. Last evaluated: 2016-08-17. Review status: criteria provided, single submitter. Criteria: Ambry Variant Classification Scheme 2023. Collection method: clinical testing. Allele origin: germline.

Breakthrough Genomics
Classification: Benign. Review status: criteria provided, single submitter. Criteria: ACMG Guidelines, 2015. Collection method: not provided. Allele origin: germline. Inheritance: Autosomal dominant inheritance. Affected: yes.